The following is an entry in ClinVar:

ClinVar aggregate classification (germline): Likely benign (0 of 4 stars; one submission).

Conditions:
NRP2-related disorder. Also called: NRP2-related condition.

Allele frequency attached by ClinVar (database versions not stated): gnomAD exomes 0.00010; gnomAD 0.00011; TOPMed 0.00015; ExAC 0.00026; 1000 Genomes Project 30x 0.00047; 1000 Genomes Project 0.00060.
gnomAD v4.1: 170 of 1,613,528 alleles (0.011%); highest among the groups gnomAD compares: East Asian, 0.17%; 2 homozygotes.

Submission:

PreventionGenetics, part of Exact Sciences
Classification: Likely benign for NRP2-related condition. Last evaluated: 2022-07-15. Review status: no assertion criteria provided. Collection method: clinical testing. Allele origin: germline.
Comment: This variant is classified as likely benign based on ACMG/AMP sequence variant interpretation guidelines (Richards et al. 2015 PMID: 25741868, with internal and published modifications).

NM_003872.3(NRP2):c.2033G>A (p.Arg678Gln)

Genes: NRP2 (neuropilin 2; plus strand), LOC126806481 (CDK7 strongly-dependent group 2 enhancer GRCh37_chr2:206617009-206618208; plus strand). Cytogenetic location: 2q33.3.
Variant type: single nucleotide variant.
Coding change: c.2033G>A on transcript NM_003872.3 (MANE Select); coding-DNA position 2033, G replaced by A.
Protein change: p.Arg678Gln; replaces arginine 678 with glutamine.
Molecular consequence: missense variant.
Genome position (GRCh38, 1-based): chr2:205,752,964, G>A. VCF-style: chr2-205752964-G-A. GRCh37 (hg19) VCF-style: chr2-206617688-G-A.
Other names: c.2033G>A, p.Arg678Gln (NM_018534.4, NM_201266.2, NM_201267.2 and 1 more transcripts); short protein forms R678Q.
Identifiers: ClinVar variation 3050557 (VCV003050557.2), dbSNP rs147173240, ClinGen allele CA2069292.